The following is an entry in ClinVar:

ClinVar aggregate classification (germline): Pathogenic (1 of 4 stars; one submission).

Submission:

GeneDx
Classification: Pathogenic. Last evaluated: 2015-05-14. Review status: criteria provided, single submitter. Criteria: GeneDx Variant Classification (06012015). Collection method: clinical testing. Allele origin: germline. Affected: yes.
Comment: The c.89255_89256delAAinsC variant in the TTN gene has not been reported previously as a pathogenic variant or as a benign polymorphism, to our knowledge. The c.89255_89256delAAinsC variantwas not observed in approximately 5900 individuals of European and African American ancestry in theNHLBI Exome Sequencing Project, indicating it is not a common benign variant in these populations. This variant is expected to result in either an abnormal, truncated protein product orloss of protein from this allele through nonsense-mediated mRNA decay. Other truncating TTN variantshave been reported in approximately 3% of control alleles (Herman D et al., 2012). However,c.89255_89256delAAinsC is located in the A-band region of titin, where the majority of truncatingvariants associated with DCM have been reported (Herman D et al., 2012). In summary, c.89255_89256delAAinsC in the TTN gene is interpreted as a pathogenic variant.

NM_001267550.2(TTN):c.94178_94179delinsC (p.Lys31393fs)

Genes: TTN (titin; minus strand), TTN-AS1 (TTN antisense RNA 1; plus strand). Cytogenetic location: 2q31.2.
Variant type: Indel.
Coding change: c.94178_94179delinsC on transcript NM_001267550.2 (MANE Select); coding-DNA positions 94178 to 94179, AA replaced by C.
Protein change: p.Lys31393fs; shifts the reading frame from lysine 31393.
Molecular consequence: frameshift variant.
Genome position (GRCh38, 1-based): chr2:178,547,447-178,547,448, TT replaced by G on the plus strand (AA replaced by C on the coding strand, the reverse complement: TTN is on the minus strand). VCF-style: chr2-178547447-TT-G. GRCh37 (hg19) VCF-style: chr2-179412174-TT-G.
Other names: c.89255_89256delinsC, p.Lys29752fs (NM_001256850.1); c.66983_66984delinsC, p.Lys22328fs (NM_003319.4); c.86474_86475delinsC, p.Lys28825fs (NM_133378.4); c.67358_67359delinsC, p.Lys22453fs (NM_133432.3); c.67559_67560delinsC, p.Lys22520fs (NM_133437.4); c.89255_89256delAAinsC (NM_001256850.1); short protein forms K29752fs, K22328fs, K22520fs, K31393fs, K22453fs, K28825fs.
Identifiers: ClinVar variation 419067 (VCV000419067.1), dbSNP rs1064793622, ClinGen allele CA16617337.